The following is an entry in ClinVar:

ClinVar aggregate classification (germline): Uncertain significance (1 of 4 stars; one submission).

Submission:

Labcorp Genetics (formerly Invitae), Labcorp
Classification: Uncertain significance. Last evaluated: 2022-06-13. Review status: criteria provided, single submitter. Criteria: Invitae Variant Classification Sherloc (09022015). Collection method: clinical testing. Allele origin: germline.
Comment: This variant is not present in population databases (gnomAD no frequency). This sequence change replaces asparagine, which is neutral and polar, with aspartic acid, which is acidic and polar, at codon 119 of the CDH23 protein (p.Asn119Asp). This variant has not been reported in the literature in individuals affected with CDH23-related conditions. Algorithms developed to predict the effect of missense changes on protein structure and function are either unavailable or do not agree on the potential impact of this missense change (SIFT: "Deleterious"; PolyPhen-2: "Not Available"; Align-GVGD: "Class C0"). In summary, the available evidence is currently insufficient to determine the role of this variant in disease. Therefore, it has been classified as a Variant of Uncertain Significance.

NM_022124.6(CDH23):c.355A>G (p.Asn119Asp)

Genes: CDH23 (cadherin related 23; plus strand), CDH23-AS1 (CDH23 antisense RNA 1; minus strand). Cytogenetic location: 10q22.1.
Variant type: single nucleotide variant.
Coding change: c.355A>G on transcript NM_022124.6 (MANE Select); coding-DNA position 355, A replaced by G.
Protein change: p.Asn119Asp; replaces asparagine 119 with aspartic acid.
Molecular consequence: missense variant.
Genome position (GRCh38, 1-based): chr10:71,511,138, A>G. VCF-style: chr10-71511138-A-G. GRCh37 (hg19) VCF-style: chr10-73270895-A-G.
Other names: c.355A>G, p.Asn119Asp (NM_001171930.2, NM_001171931.2, NM_001171932.2 and 1 more transcripts); short protein forms N119D.
Identifiers: ClinVar variation 1482258 (VCV001482258.8), dbSNP rs2132200554, ClinGen allele CA377116022.
Genomic context (GRCh38, chr10:71,511,138, plus strand): 5'-GAGTCAGGTGGCGGCGCTAATTGCCCGCCTTTCTCTTGCCAGGTGATCACACGGAAGGTG[A>G]ACATCCAGGTTGGGGATGTGAATGACAACGCGCCCACATTTCACAATCAGCCCTACAGCG-3'
Protein context (NP_071407.4, residues 109-129): DHQGVITRKV[Asn119Asp]IQVGDVNDNA